The following is an entry in ClinVar:

NM_000292.3(PHKA2):c.2672del (p.Thr891fs)

Gene: PHKA2 (phosphorylase kinase regulatory subunit alpha 2; minus strand). Cytogenetic location: Xp22.13.
Variant type: Deletion.
Coding change: c.2672del on transcript NM_000292.3 (MANE Select); coding-DNA position 2672, one base deleted (C; older notation c.2672delC).
Protein change: p.Thr891fs; shifts the reading frame from threonine 891.
Molecular consequence: frameshift variant.
Genome position (GRCh38, 1-based): chrX:18,906,740, G deleted on the plus strand (C on the coding strand, the reverse complement: PHKA2 is on the minus strand). VCF-style (leftmost placement, unchanged base first): chrX-18906739-CG-C. GRCh37 (hg19) VCF-style: chrX-18924857-CG-C.
Other names: short protein forms T891fs.
Identifiers: ClinVar variation 280625 (VCV000280625.2), dbSNP rs886041795, ClinGen allele CA10603611.

ClinVar aggregate classification (germline): Pathogenic (1 of 4 stars; one submission).

Submission:

GeneDx
Classification: Pathogenic. Last evaluated: 2016-05-21. Review status: criteria provided, single submitter. Criteria: GeneDx Variant Classification (06012015). Collection method: clinical testing. Allele origin: germline. Affected: yes.
Comment: The c.2672delC pathogenic variant in the PHKA2 gene has not been reported previously as a pathogenic variant nor as a benign variant, to our knowledge. The c.2672delC variant causes a frameshift starting with codon Threonine 891, changes this amino acid to a Serine residue, and creates a premature Stop codon at position 23 of the new reading frame, denoted p.Thr891SerfsX23. This variant is predicted to cause loss of normal protein function either through protein truncation or nonsense-mediated mRNA decay. The c.2672delC variant was not observed in approximately 6,500 individuals of European and African American ancestry in the NHLBI Exome Sequencing Project, indicating it is not a common benign variant in these populations. We interpret c.2672delC as a pathogenic variant.